The following is an entry in ClinVar:

ClinVar aggregate classification (germline): Likely benign (1 of 4 stars; one submission).

Conditions:
BBS4-related disorder. Also called: BBS4-related condition.

Submission:

PreventionGenetics, part of Exact Sciences
Classification: Likely benign for BBS4-related condition. Last evaluated: 2026-01-14. Review status: criteria provided, single submitter. Criteria: ACMG Guidelines, 2015. Collection method: clinical testing. Allele origin: germline.
Comment: This variant is classified as likely benign based on ACMG/AMP sequence variant interpretation guidelines (Richards et al. 2015 PMID: 25741868, with internal and published modifications).

NM_033028.5(BBS4):c.156+6A>C

Gene: BBS4 (Bardet-Biedl syndrome 4; plus strand). Cytogenetic location: 15q24.1.
Variant type: single nucleotide variant.
Coding change: c.156+6A>C on transcript NM_033028.5 (MANE Select); 6 bases into the intron after coding-DNA position 156, A replaced by C.
Molecular consequence: intron variant.
Genome position (GRCh38, 1-based): chr15:72,709,785, A>C. VCF-style: chr15-72709785-A-C. GRCh37 (hg19) VCF-style: chr15-73002126-A-C.
Other names: c.156+6A>C (NM_001320665.2); c.-366+6A>C (NM_001252678.2).
Identifiers: ClinVar variation 4979674 (VCV004979674.1).